The following is an entry in ClinVar:

ClinVar aggregate classification (germline): Likely benign. Review status: criteria provided, multiple submitters, no conflicts (2 of 4 stars). 3 submissions from 3 submitters: Likely benign (3). Last evaluated 2025-07-09.

Conditions:
Cardiovascular phenotype. Identifiers: MedGen CN230736.

Allele frequency attached by ClinVar (database versions not stated): gnomAD 0.00001; gnomAD exomes 0.00001; TOPMed 0.00001; ExAC 0.00002.
gnomAD v4.1: 12 of 1,613,342 alleles (0.00074%); highest among the groups gnomAD compares: Admixed American, 0.0033%; no homozygotes.

Submissions (3):

Labcorp Genetics (formerly Invitae), Labcorp
Classification: Likely benign. Last evaluated: 2025-07-09. Review status: criteria provided, single submitter. Criteria: Invitae Variant Classification Sherloc (09022015). Collection method: clinical testing. Allele origin: germline.

Ambry Genetics
Classification: Likely benign for Cardiovascular phenotype. Last evaluated: 2025-03-31. Review status: criteria provided, single submitter. Criteria: Ambry Variant Classification Scheme 2023. Collection method: clinical testing. Allele origin: germline.

CeGaT Center for Human Genetics Tuebingen
Classification: Likely benign. Last evaluated: 2023-09-01. Review status: criteria provided, single submitter. Criteria: CeGaT Center For Human Genetics Tuebingen Variant Classification Criteria Version 2. Collection method: clinical testing. Allele origin: germline. Affected: yes. Observed: 1 variant allele.
Comment: EPHB4: BP4, BP7

NM_004444.5(EPHB4):c.261C>T (p.Tyr87=)

Gene: EPHB4 (EPH receptor B4; minus strand). Cytogenetic location: 7q22.1.
Variant type: single nucleotide variant.
Coding change: c.261C>T on transcript NM_004444.5 (MANE Select); coding-DNA position 261, C replaced by T.
Protein change: p.Tyr87=; no amino-acid change (tyrosine 87 retained).
Molecular consequence: synonymous variant.
Genome position (GRCh38, 1-based): chr7:100,823,794, G>A on the plus strand (C>T on the coding strand, the complement: EPHB4 is on the minus strand). VCF-style: chr7-100823794-G-A. GRCh37 (hg19) VCF-style: chr7-100421416-G-A.
Other names: c.261C>T (NM_004444.4).
Identifiers: ClinVar variation 2657774 (VCV002657774.27), dbSNP rs780310822, ClinGen allele CA4393358.